The following is an entry in ClinVar:

ClinVar aggregate classification (germline): Uncertain significance (1 of 4 stars; one submission).

Conditions:
Autosomal recessive severe congenital neutropenia due to CSF3R deficiency. Also called: Neutropenia, severe congenital, 7, autosomal recessive. Identifiers: Orphanet 420702, MedGen C4310764, MONDO:0014865, OMIM 617014.

gnomAD v4.1: 2 of 1,613,552 alleles (0.00012%); highest among the groups gnomAD compares: Non-Finnish European, 0.00017%; no homozygotes.

Submission:

Labcorp Genetics (formerly Invitae), Labcorp
Classification: Uncertain significance for Autosomal recessive severe congenital neutropenia due to CSF3R deficiency. Last evaluated: 2024-11-15. Review status: criteria provided, single submitter. Criteria: Invitae Variant Classification Sherloc (09022015). Collection method: clinical testing. Allele origin: germline.
Comment: This sequence change replaces leucine, which is neutral and non-polar, with valine, which is neutral and non-polar, at codon 821 of the CSF3R protein (p.Leu821Val). This variant is present in population databases (no rsID available, gnomAD 0.002%). This variant has not been reported in the literature in individuals affected with CSF3R-related conditions. An algorithm developed to predict the effect of missense changes on protein structure and function (PolyPhen-2) suggests that this variant is likely to be disruptive. In summary, the available evidence is currently insufficient to determine the role of this variant in disease. Therefore, it has been classified as a Variant of Uncertain Significance.

NM_000760.4(CSF3R):c.2461C>G (p.Leu821Val)

Gene: CSF3R (colony stimulating factor 3 receptor; minus strand). Cytogenetic location: 1p34.3.
Variant type: single nucleotide variant.
Coding change: c.2461C>G on transcript NM_000760.4 (MANE Select); coding-DNA position 2461, C replaced by G.
Protein change: p.Leu821Val; replaces leucine 821 with valine.
Molecular consequence: missense variant. On other transcripts: intron variant (1).
Genome position (GRCh38, 1-based): chr1:36,466,407, G>C on the plus strand (C>G on the coding strand, the complement: CSF3R is on the minus strand). VCF-style: chr1-36466407-G-C. GRCh37 (hg19) VCF-style: chr1-36932008-G-C.
Other names: c.2542C>G, p.Leu848Val (NM_156039.3); c.2248-207C>G (NM_172313.3); short protein forms L821V, L848V.
Identifiers: ClinVar variation 3684129 (VCV003684129.2).